The following is an entry in ClinVar:

ClinVar aggregate classification (germline): Uncertain significance. Review status: criteria provided, multiple submitters, no conflicts (2 of 4 stars). 3 submissions from 3 submitters: Uncertain significance (3). Last evaluated 2025-12-16.

Allele frequency attached by ClinVar (database versions not stated): gnomAD exomes below 0.00001 and 0.00001; TOPMed 0.00002; gnomAD 0.00002.
gnomAD v4.1: 13 of 1,588,490 alleles (0.00082%); highest among the groups gnomAD compares: African/African-American, 0.0013%; no homozygotes.

Submissions (3):

Labcorp Genetics (formerly Invitae), Labcorp
Classification: Uncertain significance. Last evaluated: 2025-12-16. Review status: criteria provided, single submitter. Criteria: Invitae Variant Classification Sherloc (09022015). Collection method: clinical testing. Allele origin: germline.
Comment: This sequence change falls in intron 24 of the CACNA2D4 gene. It does not directly change the encoded amino acid sequence of the CACNA2D4 protein. It affects a nucleotide within the consensus splice site. The frequency data for this variant in the population databases is considered unreliable, as metrics indicate poor data quality at this position in the gnomAD database. This variant has not been reported in the literature in individuals affected with CACNA2D4-related conditions. ClinVar contains an entry for this variant (Variation ID: 1010986). Variants that disrupt the consensus splice site are a relatively common cause of aberrant splicing (PMID: 17576681, 9536098). Algorithms developed to predict the effect of sequence changes on RNA splicing suggest that this variant may disrupt the consensus splice site. In summary, the available evidence is currently insufficient to determine the role of this variant in disease. Therefore, it has been classified as a Variant of Uncertain Significance.

GeneDx
Classification: Uncertain significance. Last evaluated: 2022-05-26. Review status: criteria provided, single submitter. Criteria: GeneDx Variant Classification Process June 2021. Collection method: clinical testing. Allele origin: germline. Affected: yes.
Comment: Not observed at significant frequency in large population cohorts (gnomAD); Intronic +5 splice site variant in a gene for which loss of function is a known mechanism of disease, and both splice predictors and evolutionary conservation support a deleterious effect, although in the absence of functional evidence the actual effect of this sequence change is unknown; Has not been previously published as pathogenic or benign to our knowledge

Blueprint Genetics
Classification: Uncertain significance. Last evaluated: 2021-08-24. Review status: criteria provided, single submitter. Criteria: ACMG Guidelines, 2015. Collection method: clinical testing. Allele origin: germline.

Literature cited by the submitters: PubMed 17576681 (cited by Labcorp Genetics (formerly Invitae), Labcorp); PubMed 9536098 (cited by Labcorp Genetics (formerly Invitae), Labcorp).

NM_172364.5(CACNA2D4):c.2342+5G>T

Gene: CACNA2D4 (calcium voltage-gated channel auxiliary subunit alpha2delta 4; minus strand). Cytogenetic location: 12p13.33.
Variant type: single nucleotide variant.
Coding change: c.2342+5G>T on transcript NM_172364.5 (MANE Select); 5 bases into the intron after coding-DNA position 2342, G replaced by T.
Molecular consequence: intron variant.
Genome position (GRCh38, 1-based): chr12:1,846,589, C>A on the plus strand (G>T on the coding strand, the complement: CACNA2D4 is on the minus strand). VCF-style: chr12-1846589-C-A. GRCh37 (hg19) VCF-style: chr12-1955755-C-A.
Identifiers: ClinVar variation 1010986 (VCV001010986.8), dbSNP rs913808897, ClinGen allele CA231560342.